The following is an entry in ClinVar:

NM_007294.4(BRCA1):c.3136G>C (p.Glu1046Gln)

Gene: BRCA1 (BRCA1 DNA repair associated; minus strand). Cytogenetic location: 17q21.31.
Variant type: single nucleotide variant.
Coding change: c.3136G>C on transcript NM_007294.4 (MANE Select); coding-DNA position 3136, G replaced by C.
Protein change: p.Glu1046Gln; replaces glutamic acid 1046 with glutamine.
Molecular consequence: missense variant. On other transcripts: intron variant (137).
Genome position (GRCh38, 1-based): chr17:43,092,395, C>G on the plus strand (G>C on the coding strand, the complement: BRCA1 is on the minus strand). VCF-style: chr17-43092395-C-G. GRCh37 (hg19) VCF-style: chr17-41244412-C-G.
Other names: c.575-1363G>C (NM_001408493.1, NM_001408490.1, NM_001408491.1); c.455-1363G>C (NM_001408502.1); c.578-1363G>C (NM_001408489.1, NM_001408479.1, NM_001408482.1 and 9 more transcripts); c.662-1363G>C (NM_001408445.1, NM_001408432.1, NM_001408450.1 and 6 more transcripts); c.668-1363G>C (NM_001408431.1, NM_001408424.1, NM_001408421.1); c.785-1363G>C (NM_001408407.1, NM_001408402.1, NM_001408473.1 and 13 more transcripts); c.665-1363G>C (NM_001408443.1, NM_001408439.1, NM_001408425.1 and 12 more transcripts); c.671-1363G>C (NM_001408419.1, NM_001408422.1, NM_001408418.1 and 2 more transcripts); and 41 more; short protein forms E1046Q, E999Q, E1005Q, E750Q, E918Q, E919Q, E934Q, E978Q.
Identifiers: ClinVar variation 480995 (VCV000480995.8), dbSNP rs1555588329, ClinGen allele CA10595710.
Genomic context (GRCh38, chr17:43,092,395, plus strand): 5'-CATCACTGGAACCTATTTCATTAATACTGGAGCCCACTTCATTAGTACTGGAACCTACTT[C>G]ATTAATATTGCTTGAGCTGGCTTCTTTAAAAACATTTTCTCTAATGTTATTACGGCTAAT-3'
Protein context (NP_009225.1, residues 1036-1056): FKEASSSNIN[Glu1046Gln]VGSSTNEVGS

ClinVar aggregate classification (germline): Conflicting classifications of pathogenicity. Review status: criteria provided, conflicting classifications (1 of 4 stars). 2 submissions from 2 submitters: Uncertain significance (1); Likely benign (1). Last evaluated 2023-03-23.

Conditions:
Hereditary cancer-predisposing syndrome. Also called: Hereditary Cancer Syndrome; Neoplastic Syndromes, Hereditary; Tumor predisposition; Hereditary neoplastic syndrome. Identifiers: Orphanet 140162, MedGen C0027672, MeSH D009386, MONDO:0015356.

Submissions (2):

University of Washington Department of Laboratory Medicine, University of Washington
Classification: Likely benign for Hereditary cancer-predisposing syndrome. Last evaluated: 2023-03-23. Review status: criteria provided, single submitter. Criteria: Dines et al. (Genet Med. 2020). Collection method: curation. Allele origin: germline.
Comment: Missense variant in a coldspot region where missense variants are very unlikely to be pathogenic (PMID:31911673).

BRCA1 coldspot (exon 11 using historical exon numbering). Reclassification based on statistical prior probability

Ambry Genetics
Classification: Uncertain significance for Hereditary cancer-predisposing syndrome. Last evaluated: 2017-07-10. Review status: criteria provided, single submitter. Criteria: Ambry Variant Classification Scheme 2023. Collection method: clinical testing. Allele origin: germline.
Comment: The p.E1046Q variant (also known as c.3136G>C), located in coding exon 9 of the BRCA1 gene, results from a G to C substitution at nucleotide position 3136. The glutamic acid at codon 1046 is replaced by glutamine, an amino acid with highly similar properties. This amino acid position is well conserved in available vertebrate species. In addition, the in silico prediction for this alteration is inconclusive. Since supporting evidence is limited at this time, the clinical significance of this alteration remains unclear.